The following is an entry in ClinVar:

NM_001614.5(ACTG1):c.414C>G (p.Ala138=)

Gene: ACTG1 (actin gamma 1; minus strand). Cytogenetic location: 17q25.3.
Variant type: single nucleotide variant.
Coding change: c.414C>G on transcript NM_001614.5 (MANE Select); coding-DNA position 414, C replaced by G.
Protein change: p.Ala138=; no amino-acid change (alanine 138 retained).
Molecular consequence: synonymous variant. On other transcripts: non-coding transcript variant (1).
Genome position (GRCh38, 1-based): chr17:81,511,576, G>C on the plus strand (C>G on the coding strand, the complement: ACTG1 is on the minus strand). VCF-style: chr17-81511576-G-C. GRCh37 (hg19) VCF-style: chr17-79478602-G-C.
Other names: c.414C>G, p.Ala138= (NM_001199954.3).
Identifiers: ClinVar variation 1956114 (VCV001956114.19), dbSNP rs143978597, ClinGen allele CA8836081.

ClinVar aggregate classification (germline): Likely benign. Review status: criteria provided, multiple submitters, no conflicts (2 of 4 stars). 2 submissions from 2 submitters: Likely benign (2). Last evaluated 2025-09-08.

Conditions:
Autosomal dominant nonsyndromic hearing loss 20. Identifiers: Orphanet 90635, MedGen C1858172, MONDO:0011480, OMIM 604717.
Baraitser-winter syndrome 2. Identifiers: Orphanet 2995, MedGen C3281235, MONDO:0013812, OMIM 614583.

gnomAD v4.1: 43 of 1,613,702 alleles (0.0027%); highest among the groups gnomAD compares: Non-Finnish European, 0.0036%; no homozygotes.

Submissions (2):

Labcorp Genetics (formerly Invitae), Labcorp
Classification: Likely benign for Baraitser-winter syndrome 2; Autosomal dominant nonsyndromic hearing loss 20. Last evaluated: 2025-09-08. Review status: criteria provided, single submitter. Criteria: Invitae Variant Classification Sherloc (09022015). Collection method: clinical testing. Allele origin: germline.

CeGaT Center for Human Genetics Tuebingen
Classification: Likely benign. Last evaluated: 2024-10-01. Review status: criteria provided, single submitter. Criteria: CeGaT Center For Human Genetics Tuebingen Variant Classification Criteria Version 2. Collection method: clinical testing. Allele origin: germline. Affected: yes. Observed: 1 variant allele.
Comment: ACTG1: BP4, BP7